The following is an entry in ClinVar:

NM_138713.4(NFAT5):c.3843ACA[2] (p.Gln1284del)

Gene: NFAT5 (nuclear factor of activated T cells 5; plus strand). Cytogenetic location: 16q22.1.
Variant type: Microsatellite.
Coding change: c.3843ACA[2] on transcript NM_138713.4 (MANE Select); two copies in a row of the 3-base unit ACA starting at c.3843; the reference has three copies in a row; one copy, 3 bases deleted.
Protein change: p.Gln1284del; deletes glutamine 1284.
Molecular consequence: inframe deletion.
Genome position (GRCh38, 1-based): chr16:69,693,674-69,693,676, ACA deleted; deleting any 3 consecutive bases within chr16:69,693,666-69,693,676 gives the same sequence; the position shown is the placement nearest the transcript's 3' end. VCF-style (leftmost placement, unchanged base first): chr16-69693665-GCAA-G. GRCh37 (hg19) VCF-style: chr16-69727568-GCAA-G.
Other names: c.3840ACA[2], p.Gln1283del (NM_001113178.3); c.3168ACA[2], p.Gln1059del (NM_001367709.1); c.3789ACA[2], p.Gln1266del (NM_006599.4); c.3561ACA[2], p.Gln1190del (NM_138714.4, NM_173214.3, NM_173215.3); short protein forms Q1190del, Q1284del, Q1059del, Q1266del, Q1283del.
Identifiers: ClinVar variation 456660 (VCV000456660.33), dbSNP rs774263990, ClinGen allele CA8135966.

ClinVar aggregate classification (germline): Likely benign. Review status: criteria provided, multiple submitters, no conflicts (2 of 4 stars). 3 submissions from 3 submitters: Likely benign (3). Last evaluated 2025-12-29.

Conditions:
Immunodeficiency. Identifiers: MedGen C0021051, MONDO:0021094, HP:0002721.

Submissions (3):

Labcorp Genetics (formerly Invitae), Labcorp
Classification: Likely benign for Immunodeficiency. Last evaluated: 2025-12-29. Review status: criteria provided, single submitter. Criteria: Invitae Variant Classification Sherloc (09022015). Collection method: clinical testing. Allele origin: germline.

Blueprint Genetics
Classification: Likely benign. Last evaluated: 2024-11-04. Review status: criteria provided, single submitter. Criteria: ACMG Guidelines, 2015. Collection method: clinical testing. Allele origin: germline.

CeGaT Center for Human Genetics Tuebingen
Classification: Likely benign. Last evaluated: 2022-05-01. Review status: criteria provided, single submitter. Criteria: CeGaT Center For Human Genetics Tuebingen Variant Classification Criteria Version 2. Collection method: clinical testing. Allele origin: germline. Affected: yes. Observed: 1 variant allele.
Comment: NFAT5: BS1